The following is an entry in ClinVar:

ClinVar aggregate classification (germline): Pathogenic (1 of 4 stars; one submission).

Conditions:
Rhabdoid tumor predisposition syndrome 2 (RTPS2). Identifiers: Orphanet 231108, Orphanet 69077, MedGen C2750074, MONDO:0013224, OMIM 613325.

Submission:

Labcorp Genetics (formerly Invitae), Labcorp
Classification: Pathogenic for Rhabdoid tumor predisposition syndrome 2. Last evaluated: 2021-05-10. Review status: criteria provided, single submitter. Criteria: Invitae Variant Classification Sherloc (09022015). Collection method: clinical testing. Allele origin: germline.
Comment: Algorithms developed to predict the effect of sequence changes on RNA splicing suggest that this variant may create or strengthen a splice site, but this prediction has not been confirmed by published transcriptional studies. For these reasons, this variant has been classified as Pathogenic. This variant has not been reported in the literature in individuals with SMARCA4-related conditions. This variant is not present in population databases (ExAC no frequency). This sequence change creates a premature translational stop signal (p.Tyr1076*) in the SMARCA4 gene. It is expected to result in an absent or disrupted protein product. Loss-of-function variants in SMARCA4 are known to be pathogenic (PMID: 24658001, 24658002).

Literature cited by the submitters: PubMed 24658001; PubMed 24658002.

NM_003072.5(SMARCA4):c.3228C>G (p.Tyr1076Ter)

Gene: SMARCA4 (SWI/SNF related BAF chromatin remodeling complex subunit ATPase 4; plus strand). Cytogenetic location: 19p13.2.
Variant type: single nucleotide variant.
Coding change: c.3228C>G on transcript NM_003072.5 (MANE Select); coding-DNA position 3228, C replaced by G.
Protein change: p.Tyr1076Ter; replaces tyrosine 1076 with a stop codon.
Molecular consequence: nonsense. On other transcripts: non-coding transcript variant (1).
Genome position (GRCh38, 1-based): chr19:11,027,796, C>G. VCF-style: chr19-11027796-C-G. GRCh37 (hg19) VCF-style: chr19-11138472-C-G.
Other names: c.3228C>G, p.Tyr1076Ter (NM_001128844.3, NM_001128845.2, NM_001128846.2 and 5 more transcripts); short protein forms Y1076*.
Identifiers: ClinVar variation 1397435 (VCV001397435.6), dbSNP rs2146541525, ClinGen allele CA404061234.